The following is an entry in ClinVar:

NM_001077365.2(POMT1):c.699+5G>T

Gene: POMT1 (protein O-mannosyltransferase 1; plus strand). Cytogenetic location: 9q34.13.
Variant type: single nucleotide variant.
Coding change: c.699+5G>T on transcript NM_001077365.2 (MANE Select); 5 bases into the intron after coding-DNA position 699, G replaced by T.
Molecular consequence: intron variant. On other transcripts: missense variant (7), non-coding transcript variant (1).
Genome position (GRCh38, 1-based): chr9:131,510,001, G>T. VCF-style: chr9-131510001-G-T. GRCh37 (hg19) VCF-style: chr9-134385388-G-T.
Other names: c.704G>T, p.Gly235Val (NM_001353193.2, NM_007171.4); c.542G>T, p.Gly181Val (NM_001353197.2, NM_001353198.2, NM_001374689.1); c.353G>T, p.Gly118Val (NM_001353199.2); c.248G>T, p.Gly83Val (NM_001374695.1); c.699+5G>T (NM_001136113.2, NM_001374690.1); c.537+5G>T (NM_001353194.2, NM_001077366.2, NM_001374693.1); c.348+5G>T (NM_001374691.1, NM_001353195.2, NM_001374692.1 and 1 more transcripts); c.609+5G>T (NM_001353196.2); and 1 more; short protein forms G118V, G83V, G181V, G235V.
Identifiers: ClinVar variation 2110338 (VCV002110338.4), dbSNP rs1346716407, ClinGen allele CA375307468.
Genomic context (GRCh38, chr9:131,510,001, plus strand): 5'-TGGGTGTTGCAGCTGTCCATGCCTGGCACCTGCTTGGAGACCAGACTTTGTCCAATGTAG[G>T]TGCTGATGTCCAGTGCTGCATGAGGCCGGCCTGTATGGGGCAGATGCAGATGTCACAGGG-3'

ClinVar aggregate classification (germline): Uncertain significance (1 of 4 stars; one submission).

Conditions:
Muscular dystrophy-dystroglycanopathy (congenital with impaired intellectual development), type B, 1. Also called: Muscular dystrophy-dystroglycanopathy (congenital with intellectual disability), type B1; MUSCULAR DYSTROPHY, CONGENITAL, POMT1-RELATED. Identifiers: MedGen C5436962, MONDO:0013159, OMIM 613155.
Walker-Warburg congenital muscular dystrophy. Also called: Muscular dystrophy-dystroglycanopathy, type A; Walker-Warburg syndrome. Identifiers: Orphanet 899, MedGen C0265221, MONDO:0000171.
Autosomal recessive limb-girdle muscular dystrophy type 2K. Also called: MUSCULAR DYSTROPHY-DYSTROGLYCANOPATHY (LIMB-GIRDLE), TYPE C, 1; MUSCULAR DYSTROPHY, LIMB-GIRDLE, TYPE 2K. Identifiers: Orphanet 86812, MedGen C1836373, MONDO:0012248, OMIM 609308.

Allele frequency attached by ClinVar (database versions not stated): TOPMed below 0.00001.
gnomAD v4.1: 1 of 1,614,228 alleles (0.000062%); highest among the groups gnomAD compares: Admixed American, 0.0017%; no homozygotes.

Submission:

Labcorp Genetics (formerly Invitae), Labcorp
Classification: Uncertain significance for Muscular dystrophy-dystroglycanopathy (congenital with impaired intellectual development), type B, 1; Walker-Warburg congenital muscular dystrophy; Autosomal recessive limb-girdle muscular dystrophy type 2K. Last evaluated: 2022-04-16. Review status: criteria provided, single submitter. Criteria: Invitae Variant Classification Sherloc (09022015). Collection method: clinical testing. Allele origin: germline.
Comment: This variant has not been reported in the literature in individuals affected with POMT1-related conditions. Algorithms developed to predict the effect of missense changes on protein structure and function (SIFT, PolyPhen-2, Align-GVGD) all suggest that this variant is likely to be tolerated. Algorithms developed to predict the effect of sequence changes on RNA splicing suggest that this variant may disrupt the consensus splice site. In summary, the available evidence is currently insufficient to determine the role of this variant in disease. Therefore, it has been classified as a Variant of Uncertain Significance. This sequence change replaces glycine, which is neutral and non-polar, with valine, which is neutral and non-polar, at codon 235 of the POMT1 protein (p.Gly235Val). This variant is present in population databases (no rsID available, gnomAD 0.003%).